The following is an entry in ClinVar:

ClinVar aggregate classification (germline): Benign/Likely benign. Review status: criteria provided, multiple submitters, no conflicts (2 of 4 stars). 17 submissions from 11 submitters: Benign (14); Likely benign (3). Last evaluated 2026-09-17.

Conditions:
Age related macular degeneration 4. Identifiers: MedGen C1853147, MONDO:0012540, OMIM 610698.
Factor H deficiency (CFHD). Also called: COMPLEMENT FACTOR H DEFICIENCY; CFH DEFICIENCY. Identifiers: Orphanet 200421, MedGen C0398777, MONDO:0012350, OMIM 609814.
CFH-Related Dense Deposit Disease / Membranoproliferative Glomerulonephritis Type II. Identifiers: MedGen CN071292.
Hemolytic uremic syndrome, atypical, susceptibility to, 1. Also called: AHUS, SUSCEPTIBILITY TO, 1. Identifiers: Orphanet 2134, Orphanet 90038, MedGen C2749604, MONDO:0009335, OMIM 235400. Disease mechanism: Other.
Basal laminar drusen. Also called: DRUSEN OF BRUCH MEMBRANE; DRUSEN, CUTICULAR; DRUSEN, EARLY ADULT-ONSET, GROUPED. Identifiers: Orphanet 75376, MedGen C0730295, MONDO:0007472, OMIM 126700.
Atypical hemolytic-uremic syndrome. Identifiers: Orphanet 2134, MedGen C2931788, MONDO:0016244.

Allele frequency attached by ClinVar (database versions not stated): gnomAD exomes 0.00360; ExAC 0.00442; gnomAD 0.01319 and 0.01429; ESP Exome Variant Server 0.01446; 1000 Genomes Project 30x 0.01468; TOPMed 0.01476; 1000 Genomes Project 0.01518.
gnomAD v4.1: 4,235 of 1,607,606 alleles (0.26%); highest among the groups gnomAD compares: African/African-American, 4.6%; 86 homozygotes.

Submissions (17):

Genomenon, Inc
Classification: Benign for Age related macular degeneration 4; Atypical hemolytic-uremic syndrome; Factor H deficiency; Basal laminar drusen. Last evaluated: 2026-09-17. Review status: criteria provided, single submitter. Criteria: Genomenon Sequence Variant Interpretation Standards - Updated. Collection method: curation. Allele origin: germline. Affected: no.
Comment: CFH c.2236+8T>A is an intronic variant located in intron 14. This variant is present at high allele frequency in population databases. We classify CFH c.2236+8T>A as a benign variant.

CeGaT Center for Human Genetics Tuebingen
Classification: Benign. Last evaluated: 2026-09-01. Review status: criteria provided, single submitter. Criteria: CeGaT Center For Human Genetics Tuebingen Variant Classification Criteria Version 2. Collection method: clinical testing. Allele origin: germline. Affected: yes. Observed: 1 variant allele.
Comment: CFH: BP4, BS1, BS2

Labcorp Genetics (formerly Invitae), Labcorp
Classification: Benign. Last evaluated: 2026-02-02. Review status: criteria provided, single submitter. Criteria: Invitae Variant Classification Sherloc (09022015). Collection method: clinical testing. Allele origin: germline.

Women's Health and Genetics/Laboratory Corporation of America, LabCorp
Classification: Benign. Last evaluated: 2026-01-22. Review status: criteria provided, single submitter. Criteria: LabCorp Variant Classification Summary - May 2015. Collection method: clinical testing. Allele origin: germline.

Blueprint Genetics
Classification: Likely benign. Last evaluated: 2024-11-25. Review status: criteria provided, single submitter. Criteria: ACMG Guidelines, 2015. Collection method: clinical testing. Allele origin: germline.

Genome-Nilou Lab
Classification: Benign for Hemolytic uremic syndrome, atypical, susceptibility to, 1. Last evaluated: 2023-04-11. Review status: criteria provided, single submitter. Criteria: ACMG Guidelines, 2015. Collection method: clinical testing. Allele origin: germline. Affected: no.

Genome-Nilou Lab
Classification: Benign for Age related macular degeneration 4. Last evaluated: 2023-04-11. Review status: criteria provided, single submitter. Criteria: ACMG Guidelines, 2015. Collection method: clinical testing. Allele origin: germline. Affected: no.

Genome-Nilou Lab
Classification: Benign for Basal laminar drusen. Last evaluated: 2023-04-11. Review status: criteria provided, single submitter. Criteria: ACMG Guidelines, 2015. Collection method: clinical testing. Allele origin: germline. Affected: no.

Genome-Nilou Lab
Classification: Benign for Factor H deficiency. Last evaluated: 2023-04-11. Review status: criteria provided, single submitter. Criteria: ACMG Guidelines, 2015. Collection method: clinical testing. Allele origin: germline. Affected: no.

Mayo Clinic Laboratories, Mayo Clinic
Classification: Benign. Last evaluated: 2022-11-30. Review status: criteria provided, single submitter. Criteria: ACMG Guidelines, 2015. Collection method: clinical testing. Allele origin: germline. Observed: 70 variant alleles.
Comment: BA1, BP4, BP7

Fulgent Genetics
Classification: Likely benign for Basal laminar drusen; Hemolytic uremic syndrome, atypical, susceptibility to, 1; Factor H deficiency; Age related macular degeneration 4. Last evaluated: 2021-08-26. Review status: criteria provided, single submitter. Criteria: ACMG Guidelines, 2015. Collection method: clinical testing. Allele origin: unknown.

Genome Diagnostics Laboratory, The Hospital for Sick Children
Classification: Likely benign for Atypical hemolytic-uremic syndrome. Last evaluated: 2019-12-01. Review status: criteria provided, single submitter. Criteria: ACMG Guidelines, 2015. Collection method: clinical testing. Allele origin: germline.

Illumina Laboratory Services, Illumina
Classification: Benign for Membranoproliferative glomerulonephritis with complement factor h deficiency. Last evaluated: 2018-01-13. Review status: criteria provided, single submitter. Criteria: ICSL Variant Classification Criteria 13 December 2019. Collection method: clinical testing. Allele origin: germline.
Comment: This variant was observed in the ICSL laboratory as part of a predisposition screen in an ostensibly healthy population. It had not been previously curated by ICSL or reported in the Human Gene Mutation Database (HGMD: prior to June 1st, 2018), and was therefore a candidate for classification through an automated scoring system. Utilizing variant allele frequency, disease prevalence and penetrance estimates, and inheritance mode, an automated score was calculated to assess if this variant is too frequent to cause the disease. Based on the score and internal cut-off values, a variant classified as benign is not then subjected to further curation. The score for this variant resulted in a classification of benign for this disease.

Illumina Laboratory Services, Illumina
Classification: Benign for Age related macular degeneration 4. Last evaluated: 2018-01-13. Review status: criteria provided, single submitter. Criteria: ICSL Variant Classification Criteria 13 December 2019. Collection method: clinical testing. Allele origin: germline.
Comment: the same text as in the submission from Illumina Laboratory Services, Illumina above.

Illumina Laboratory Services, Illumina
Classification: Benign for Hemolytic uremic syndrome, atypical, susceptibility to, 1. Last evaluated: 2018-01-13. Review status: criteria provided, single submitter. Criteria: ICSL Variant Classification Criteria 13 December 2019. Collection method: clinical testing. Allele origin: germline.
Comment: the same text as in the submission from Illumina Laboratory Services, Illumina above.

Illumina Laboratory Services, Illumina
Classification: Benign for Basal laminar drusen. Last evaluated: 2018-01-13. Review status: criteria provided, single submitter. Criteria: ICSL Variant Classification Criteria 13 December 2019. Collection method: clinical testing. Allele origin: germline.
Comment: the same text as in the submission from Illumina Laboratory Services, Illumina above.

Breakthrough Genomics
Classification: Benign. Review status: criteria provided, single submitter. Criteria: ACMG Guidelines, 2015. Collection method: not provided. Allele origin: germline. Inheritance: Autosomal recessive inheritance. Affected: yes.

NM_000186.4(CFH):c.2236+8T>A

Gene: CFH (complement factor H; plus strand). Cytogenetic location: 1q31.3.
Variant type: single nucleotide variant.
Coding change: c.2236+8T>A on transcript NM_000186.4 (MANE Select); 8 bases into the intron after coding-DNA position 2236, T replaced by A.
Molecular consequence: intron variant.
Genome position (GRCh38, 1-based): chr1:196,726,948, T>A. VCF-style: chr1-196726948-T-A. GRCh37 (hg19) VCF-style: chr1-196696078-T-A.
Other names: p.?.
Identifiers: ClinVar variation 294501 (VCV000294501.25), dbSNP rs7537967, ClinGen allele CA1305602.